The following is an entry in ClinVar:

NM_004168.4(SDHA):c.313-12del

Gene: SDHA (succinate dehydrogenase complex flavoprotein subunit A; plus strand). Cytogenetic location: 5p15.33.
Variant type: Deletion.
Coding change: c.313-12del on transcript NM_004168.4 (MANE Select); 12 bases into the intron before coding-DNA position 313, one base deleted (T; older notation c.313-12delT).
Molecular consequence: intron variant.
Genome position (GRCh38, 1-based): chr5:225,407, T deleted; the last of 2 consecutive T bases (chr5:225,406-225,407); deleting either gives the same sequence. VCF-style (leftmost placement, unchanged base first): chr5-225405-GT-G. GRCh37 (hg19) VCF-style: chr5-225520-GT-G.
Other names: c.313-12del (NM_001330758.2); c.313-476del (NM_001294332.2).
Identifiers: ClinVar variation 2946113 (VCV002946113.3), dbSNP rs2477293806, ClinGen allele CA2740091595.

ClinVar aggregate classification (germline): Uncertain significance (1 of 4 stars; one submission).

Conditions:
Mitochondrial complex II deficiency, nuclear type 1. Also called: SUCCINATE CoQ REDUCTASE DEFICIENCY. Identifiers: Orphanet 3208, MedGen C5700310, MONDO:0100294, OMIM 252011.
Pheochromocytoma/paraganglioma syndrome 5. Also called: Paragangliomas 5; SDHA-Related Hereditary Paraganglioma-Pheochromocytoma Syndrome. Identifiers: Orphanet 29072, MedGen C3279992, MONDO:0013602, OMIM 614165.

Submission:

Labcorp Genetics (formerly Invitae), Labcorp
Classification: Uncertain significance for Pheochromocytoma/paraganglioma syndrome 5; Mitochondrial complex II deficiency, nuclear type 1. Last evaluated: 2023-04-03. Review status: criteria provided, single submitter. Criteria: Invitae Variant Classification Sherloc (09022015). Collection method: clinical testing. Allele origin: germline.
Comment: In summary, the available evidence is currently insufficient to determine the role of this variant in disease. Therefore, it has been classified as a Variant of Uncertain Significance. Algorithms developed to predict the effect of sequence changes on RNA splicing suggest that this variant may create or strengthen a splice site. This variant has not been reported in the literature in individuals affected with SDHA-related conditions. This variant is not present in population databases (gnomAD no frequency). This sequence change falls in intron 3 of the SDHA gene. It does not directly change the encoded amino acid sequence of the SDHA protein.